The following is an entry in ClinVar:

GRCh38/hg38 11q23.3-25(chr11:119433909-134998513)x1

Genes: MIR100 (microRNA 100; minus strand), MIR100HG (mir-100-let-7a-2-mir-125b-1 cluster host gene; minus strand), MIR10526 (microRNA 10526; minus strand), MIR125B1 (microRNA 125b-1; minus strand), MIR3167 (microRNA 3167; minus strand) and 551 more. Cytogenetic location: 11q23.3-25.
Variant type: copy number loss.
Change: copy number 1 (one copy instead of two) of chr11:119,433,909-134,998,513 (15.56 Mb, GRCh38 coordinates, 1-based), cytogenetic band 11q23.3-25.
Identifiers: ClinVar variation 57238 (VCV000057238.1).

ClinVar aggregate classification (germline): Pathogenic (1 of 4 stars; one submission).

Submission:

ISCA site 4
Classification: Pathogenic. Last evaluated: 2011-08-12. Review status: criteria provided, single submitter. Criteria: Kaminsky et al. (Genet Med. 2011). Collection method: clinical testing. Allele origin: unknown. Affected: yes. Observed: 1 variant allele.
Comment: Copy number variation identified through the course of routine clinical cytogenomic testing in postnatal populations. Clinical assertions have been curated as described in Kaminsky et al. 2011.